The following is an entry in ClinVar:

ClinVar aggregate classification (germline): Uncertain significance. Review status: criteria provided, multiple submitters, no conflicts (2 of 4 stars). 3 submissions from 3 submitters: Uncertain significance (3). Last evaluated 2024-06-20.

Conditions:
Dilated cardiomyopathy 1G (CMD1G). Identifiers: Orphanet 154, MedGen C1858763, MONDO:0011400, OMIM 604145.
Autosomal recessive limb-girdle muscular dystrophy type 2J (LGMDR10). Also called: Limb-girdle muscular dystrophy, type 2J; MUSCULAR DYSTROPHY, LIMB-GIRDLE, AUTOSOMAL RECESSIVE 10. Identifiers: Orphanet 140922, MedGen C1837342, MONDO:0012127, OMIM 608807.

Allele frequency attached by ClinVar (database versions not stated): gnomAD exomes 0.00001; TOPMed 0.00002; gnomAD 0.00004 and 0.00005; ESP Exome Variant Server 0.00008.
gnomAD v4.1: 17 of 1,613,250 alleles (0.0011%); highest among the groups gnomAD compares: Admixed American, 0.012%; no homozygotes.

Submissions (3):

GeneDx
Classification: Uncertain significance. Last evaluated: 2024-06-20. Review status: criteria provided, single submitter. Criteria: GeneDx Variant Classification Process June 2021. Collection method: clinical testing. Allele origin: germline. Affected: yes.
Comment: Not observed at significant frequency in large population cohorts (gnomAD); Missense variant in a gene in which most reported pathogenic variants are truncating/loss of function; Has not been previously published as pathogenic or benign to our knowledge

Revvity Omics, Revvity
Classification: Uncertain significance. Last evaluated: 2021-02-12. Review status: criteria provided, single submitter. Criteria: ACMG Guidelines, 2015. Collection method: clinical testing. Allele origin: germline.

Labcorp Genetics (formerly Invitae), Labcorp
Classification: Uncertain significance for Dilated cardiomyopathy 1G; Autosomal recessive limb-girdle muscular dystrophy type 2J. Last evaluated: 2016-05-03. Review status: criteria provided, single submitter. Criteria: Invitae Variant Classification Sherloc (09022015). Collection method: clinical testing. Allele origin: germline.

NM_001267550.2(TTN):c.84383G>A (p.Arg28128His)

Genes: TTN (titin; minus strand), TTN-AS1 (TTN antisense RNA 1; plus strand). Cytogenetic location: 2q31.2.
Variant type: single nucleotide variant.
Coding change: c.84383G>A on transcript NM_001267550.2 (MANE Select); coding-DNA position 84383, G replaced by A.
Protein change: p.Arg28128His; replaces arginine 28128 with histidine.
Molecular consequence: missense variant.
Genome position (GRCh38, 1-based): chr2:178,561,749, C>T on the plus strand (G>A on the coding strand, the complement: TTN is on the minus strand). VCF-style: chr2-178561749-C-T. GRCh37 (hg19) VCF-style: chr2-179426476-C-T.
Other names: c.79460G>A, p.Arg26487His (NM_001256850.1); c.57188G>A, p.Arg19063His (NM_003319.4); c.76679G>A, p.Arg25560His (NM_133378.4); c.57563G>A, p.Arg19188His (NM_133432.3); c.57764G>A, p.Arg19255His (NM_133437.4); c.84383G>A (NM_001267550.1); short protein forms R28128H, R19063H, R19255H, R26487H, R25560H, R19188H.
Identifiers: ClinVar variation 404841 (VCV000404841.10), dbSNP rs367596354, ClinGen allele CA16610257.